The following is an entry in ClinVar:

NM_001378615.1(CC2D2A):c.179C>T (p.Pro60Leu)

Genes: CC2D2A (coiled-coil and C2 domain containing 2A; plus strand), FBXL5 (F-box and leucine rich repeat protein 5; minus strand). Cytogenetic location: 4p15.32.
Variant type: single nucleotide variant.
Coding change: c.179C>T on transcript NM_001378615.1 (MANE Select); coding-DNA position 179, C replaced by T.
Protein change: p.Pro60Leu; replaces proline 60 with leucine.
Molecular consequence: missense variant. On other transcripts: synonymous variant (1).
Genome position (GRCh38, 1-based): chr4:15,480,759, C>T. VCF-style: chr4-15480759-C-T. GRCh37 (hg19) VCF-style: chr4-15482383-C-T.
Other names: c.179C>T, p.Pro60Leu (NM_001080522.2, NM_001164720.3); c.32C>T, p.Pro11Leu (NM_001378617.1); c.285C>T, p.Pro95= (NM_020785.2); short protein forms P11L, P60L.
Identifiers: ClinVar variation 1060823 (VCV001060823.6), dbSNP rs566035797, ClinGen allele CA2863298.
Genomic context (GRCh38, chr4:15,480,759, plus strand): 5'-TCCAGCCACCAACTGCTGTCCCCAAGGAAATGGTGTCCGAAAAATCCCACCTTGGCAACC[C>T]CCAGGAGCCTGTGCAGGAGGAGCCCAAGACCCGCCTCCTGAGTATGACAGTCCGGAGAGG-3'
Protein context (NP_001365544.1, residues 50-70): MVSEKSHLGN[Pro60Leu]QEPVQEEPKT

ClinVar aggregate classification (germline): Uncertain significance. Review status: criteria provided, multiple submitters, no conflicts (2 of 4 stars). 3 submissions from 3 submitters: Uncertain significance (3). Last evaluated 2025-01-16.

Conditions:
Inborn genetic diseases. Identifiers: MedGen C0950123, MeSH D030342.
Joubert syndrome. Also called: JOUBERT-BOLTSHAUSER SYNDROME; Familial aplasia of the vermis. Identifiers: Orphanet 475, MedGen C5979921, MONDO:0018772.
Meckel-Gruber syndrome. Also called: Dysencephalia splachnocystica; DYSENCEPHALIA SPLANCHNOCYSTICA; GRUBER SYNDROME. Identifiers: Orphanet 564, MedGen C0265215, MONDO:0018921.

Allele frequency attached by ClinVar (database versions not stated): gnomAD 0.00001; TOPMed 0.00001; ExAC 0.00006; 1000 Genomes Project 30x 0.00016; 1000 Genomes Project 0.00020.
gnomAD v4.1: 17 of 1,613,102 alleles (0.0011%); highest among the groups gnomAD compares: South Asian, 0.017%; no homozygotes.

Submissions (3):

Ambry Genetics
Classification: Uncertain significance for Inborn genetic diseases. Last evaluated: 2025-01-16. Review status: criteria provided, single submitter. Criteria: Ambry Variant Classification Scheme 2023. Collection method: clinical testing. Allele origin: germline.

GeneDx
Classification: Uncertain significance. Last evaluated: 2022-10-25. Review status: criteria provided, single submitter. Criteria: GeneDx Variant Classification Process June 2021. Collection method: clinical testing. Allele origin: germline. Affected: yes.
Comment: In silico analysis supports that this missense variant has a deleterious effect on protein structure/function; Has not been previously published as pathogenic or benign to our knowledge

Labcorp Genetics (formerly Invitae), Labcorp
Classification: Uncertain significance for Joubert syndrome; Meckel-Gruber syndrome. Last evaluated: 2022-08-16. Review status: criteria provided, single submitter. Criteria: Invitae Variant Classification Sherloc (09022015). Collection method: clinical testing. Allele origin: germline.
Comment: This sequence change replaces proline, which is neutral and non-polar, with leucine, which is neutral and non-polar, at codon 60 of the CC2D2A protein (p.Pro60Leu). This variant is present in population databases (rs566035797, gnomAD 0.03%). This variant has not been reported in the literature in individuals affected with CC2D2A-related conditions. ClinVar contains an entry for this variant (Variation ID: 1060823). Advanced modeling of protein sequence and biophysical properties (such as structural, functional, and spatial information, amino acid conservation, physicochemical variation, residue mobility, and thermodynamic stability) performed at Invitae indicates that this missense variant is not expected to disrupt CC2D2A protein function. In summary, the available evidence is currently insufficient to determine the role of this variant in disease. Therefore, it has been classified as a Variant of Uncertain Significance.